The following is an entry in ClinVar:

ClinVar aggregate classification (germline): Uncertain significance (1 of 4 stars; one submission).

Submission:

GeneDx
Classification: Uncertain significance. Last evaluated: 2020-10-08. Review status: criteria provided, single submitter. Criteria: GeneDx Variant Classification Process June 2021. Collection method: clinical testing. Allele origin: germline. Affected: yes.
Comment: Not observed in large population cohorts (Lek et al., 2016); In-frame deletion of 2 amino acids in a non-repeat region; Has not been previously published as pathogenic or benign to our knowledge

NM_019026.6(TMCO1):c.106_111del (p.Tyr36_Lys37del)

Gene: TMCO1 (transmembrane and coiled-coil domains 1; minus strand). Cytogenetic location: 1q24.1.
Variant type: Deletion.
Coding change: c.106_111del on transcript NM_019026.6 (MANE Select); coding-DNA positions 106 to 111, 6 bases deleted (TACAAG; older notation c.106_111delTACAAG).
Protein change: p.Tyr36_Lys37del.
Molecular consequence: inframe deletion. On other transcripts: non-coding transcript variant (1).
Genome position (GRCh38, 1-based): chr1:165,768,229-165,768,234, CTTGTA deleted on the plus strand (TACAAG on the coding strand, the reverse complement: TMCO1 is on the minus strand); deleting any 6 consecutive bases within chr1:165,768,229-165,768,239 gives the same sequence; the c. name uses the placement nearest the transcript's 3' end. VCF-style (leftmost placement, unchanged base first): chr1-165768228-TCTTGTA-T. GRCh37 (hg19) VCF-style: chr1-165737465-TCTTGTA-T.
Other names: c.157_162del, p.Tyr53_Lys54del (NM_001256164.1); c.70_75del, p.Tyr24_Lys25del (NM_001256165.1).
Identifiers: ClinVar variation 1313328 (VCV001313328.2), dbSNP rs2101820736, ClinGen allele CA2573051406.